The following is an entry in ClinVar:

ClinVar aggregate classification (germline): Likely benign. Review status: criteria provided, multiple submitters, no conflicts (2 of 4 stars). 3 submissions from 3 submitters: Likely benign (2). 1 of the submissions does not count toward it. Last evaluated 2026-02-01.

Conditions:
Nemaline myopathy 2 (NEM2). Also called: Nemaline myopathy 2, autosomal recessive. Identifiers: MedGen C1850569, MONDO:0009725, OMIM 256030.

gnomAD v4.1: 5 of 1,613,710 alleles (0.00031%); highest among the groups gnomAD compares: Non-Finnish European, 0.00042%; no homozygotes.

Submissions (3):

CeGaT Center for Human Genetics Tuebingen
Classification: Likely benign. Last evaluated: 2026-02-01. Review status: criteria provided, single submitter. Criteria: CeGaT Center For Human Genetics Tuebingen Variant Classification Criteria Version 2. Collection method: clinical testing. Allele origin: germline. Affected: yes. Observed: 1 variant allele.
Comment: NEB: BP4, BP7

Labcorp Genetics (formerly Invitae), Labcorp
Classification: Likely benign for Nemaline myopathy 2. Last evaluated: 2025-12-06. Review status: criteria provided, single submitter. Criteria: Invitae Variant Classification Sherloc (09022015). Collection method: clinical testing. Allele origin: germline.

Natera, Inc.
Classification: Uncertain significance for Nemaline myopathy type 2. Last evaluated: 2020-12-30. Review status: no assertion criteria provided. Collection method: clinical testing. Allele origin: germline. Not counted in ClinVar's aggregate classification.

NM_001164508.2(NEB):c.1434A>G (p.Glu478=)

Gene: NEB (nebulin; minus strand). Cytogenetic location: 2q23.3.
Variant type: single nucleotide variant.
Coding change: c.1434A>G on transcript NM_001164508.2 (MANE Select); coding-DNA position 1434, A replaced by G.
Protein change: p.Glu478=; no amino-acid change (glutamic acid 478 retained).
Molecular consequence: synonymous variant.
Genome position (GRCh38, 1-based): chr2:151,697,184, T>C on the plus strand (A>G on the coding strand, the complement: NEB is on the minus strand). VCF-style: chr2-151697184-T-C. GRCh37 (hg19) VCF-style: chr2-152553698-T-C.
Other names: c.1434A>G, p.Glu478= (NM_001164507.2, NM_001271208.2, NM_004543.5).
Identifiers: ClinVar variation 1060801 (VCV001060801.27), dbSNP rs2149351968, ClinGen allele CA429244518.